The following is an entry in ClinVar:

ClinVar aggregate classification (germline): Likely pathogenic (1 of 4 stars; one submission).

Conditions:
Smith-Lemli-Opitz syndrome (SLOS). Also called: LETHAL ACRODYSGENITAL SYNDROME; POLYDACTYLY, SEX REVERSAL, RENAL HYPOPLASIA, AND UNILOBAR LUNG; RSH SYNDROME; RUTLEDGE LETHAL MULTIPLE CONGENITAL ANOMALY SYNDROME; 7-Dehydrocholesterol reductase deficiency. Identifiers: Orphanet 818, MedGen C0175694, MONDO:0010035, OMIM 270400.

Submission:

Natera, Inc.
Classification: Likely pathogenic for Smith-Lemli-Opitz syndrome. Last evaluated: 2024-12-02. Review status: criteria provided, single submitter. Criteria: Natera Variant Classification Schema (03/2026). Collection method: clinical testing. Allele origin: germline.
Comment: The c.187_189delCAGinsTAA variant in DHCR7 is a deletion-insertion (delins) variant predicted to replace one or more nucleotides with a different sequence. This variant is expected to result in nonsense mediated decay, truncation, or a dysfunctional protein product. This variant is rare in the general population with a frequency below the threshold expected for the associated phenotype(s). Given the available evidence, this variant is classified as Likely Pathogenic.

NM_001360.3(DHCR7):c.187_189delinsTAA (p.Gln63Ter)

Gene: DHCR7 (7-dehydrocholesterol reductase; minus strand). Cytogenetic location: 11q13.4.
Variant type: Indel.
Coding change: c.187_189delinsTAA on transcript NM_001360.3 (MANE Select); coding-DNA positions 187 to 189, CAG replaced by TAA.
Protein change: p.Gln63Ter; replaces glutamine 63 with a stop codon.
Molecular consequence: nonsense. On other transcripts: intron variant (3).
Genome position (GRCh38, 1-based): chr11:71,444,125-71,444,127, CTG replaced by TTA on the plus strand (CAG replaced by TAA on the coding strand, the reverse complement: DHCR7 is on the minus strand). VCF-style: chr11-71444125-CTG-TTA. GRCh37 (hg19) VCF-style: chr11-71155171-CTG-TTA.
Other names: c.187_189delinsTAA, p.Gln63Ter (NM_001425119.1, NM_001425120.1, NM_001425121.1 and 8 more transcripts); c.99-8_99-6delinsTAA (NM_001425114.1, NM_001425116.1, NM_001425113.1); c.13_15delinsTAA, p.Gln5Ter (NM_001425117.1); short protein forms Q5*, Q63*.
Identifiers: ClinVar variation 4814815 (VCV004814815.1).